The following is an entry in ClinVar:

NM_001242957.3(MAK):c.962del (p.Pro321fs)

Gene: MAK (male germ cell associated kinase; minus strand). Cytogenetic location: 6p24.2.
Variant type: Deletion.
Coding change: c.962del on transcript NM_001242957.3 (MANE Select); coding-DNA position 962, one base deleted (C; older notation c.962delC).
Protein change: p.Pro321fs; shifts the reading frame from proline 321.
Molecular consequence: frameshift variant. On other transcripts: non-coding transcript variant (2).
Genome position (GRCh38, 1-based): chr6:10,796,179, G deleted on the plus strand (C on the coding strand, the reverse complement: MAK is on the minus strand); the first of 2 consecutive G bases (chr6:10,796,179-10,796,180); deleting either gives the same sequence. VCF-style (leftmost placement, unchanged base first): chr6-10796178-AG-A. GRCh37 (hg19) VCF-style: chr6-10796411-AG-A.
Other names: c.962del, p.Pro321fs (NM_001242385.2, NM_005906.6); c.860del, p.Pro287fs (NM_001377262.1); short protein forms P287fs, P321fs.
Identifiers: ClinVar variation 1070904 (VCV001070904.7), dbSNP rs1288620533, ClinGen allele CA565827433.

ClinVar aggregate classification (germline): Pathogenic (1 of 4 stars; one submission).

Submission:

Labcorp Genetics (formerly Invitae), Labcorp
Classification: Pathogenic. Last evaluated: 2023-07-30. Review status: criteria provided, single submitter. Criteria: Invitae Variant Classification Sherloc (09022015). Collection method: clinical testing. Allele origin: germline.
Comment: This variant is present in population databases (no rsID available, gnomAD 0.006%). For these reasons, this variant has been classified as Pathogenic. Algorithms developed to predict the effect of sequence changes on RNA splicing suggest that this variant may disrupt the consensus splice site. ClinVar contains an entry for this variant (Variation ID: 1070904). This variant has not been reported in the literature in individuals affected with MAK-related conditions. This sequence change creates a premature translational stop signal (p.Pro321Leufs*7) in the MAK gene. It is expected to result in an absent or disrupted protein product. Loss-of-function variants in MAK are known to be pathogenic (PMID: 21148103, 21825139, 24938718, 29781741).

Literature cited by the submitters: PubMed 21148103; PubMed 21825139; PubMed 24938718; PubMed 29781741.